The following is an entry in ClinVar:

ClinVar aggregate classification (germline): Uncertain significance (1 of 4 stars; one submission).

Conditions:
Glanzmann thrombasthenia. Also called: BLEEDING DISORDER, PLATELET-TYPE, 2; THROMBASTHENIA OF GLANZMANN AND NAEGELI; PLATELET GLYCOPROTEIN IIb-IIIa DEFICIENCY; Thrombasthenia; Glanzmann's thrombasthenia. Identifiers: Orphanet 849, MedGen C0040015, MONDO:0100326.

gnomAD v4.1: 1 of 1,548,580 alleles (0.000065%); highest among the groups gnomAD compares: Non-Finnish European, 0.000087%; no homozygotes.

Submission:

Labcorp Genetics (formerly Invitae), Labcorp
Classification: Uncertain significance for Glanzmann thrombasthenia. Last evaluated: 2024-10-31. Review status: criteria provided, single submitter. Criteria: Invitae Variant Classification Sherloc (09022015). Collection method: clinical testing. Allele origin: germline.
Comment: This sequence change replaces glutamic acid, which is acidic and polar, with glutamine, which is neutral and polar, at codon 925 of the ITGA2B protein (p.Glu925Gln). This variant is not present in population databases (gnomAD no frequency). This variant has not been reported in the literature in individuals affected with ITGA2B-related conditions. An algorithm developed to predict the effect of missense changes on protein structure and function outputs the following: PolyPhen-2: "Benign". The glutamine amino acid residue is found in multiple mammalian species, which suggests that this missense change does not adversely affect protein function. In summary, the available evidence is currently insufficient to determine the role of this variant in disease. Therefore, it has been classified as a Variant of Uncertain Significance.

NM_000419.5(ITGA2B):c.2773G>C (p.Glu925Gln)

Gene: ITGA2B (integrin subunit alpha 2b; minus strand). Cytogenetic location: 17q21.31.
Variant type: single nucleotide variant.
Coding change: c.2773G>C on transcript NM_000419.5 (MANE Select); coding-DNA position 2773, G replaced by C.
Protein change: p.Glu925Gln; replaces glutamic acid 925 with glutamine.
Molecular consequence: missense variant.
Genome position (GRCh38, 1-based): chr17:44,375,066, C>G on the plus strand (G>C on the coding strand, the complement: ITGA2B is on the minus strand). VCF-style: chr17-44375066-C-G. GRCh37 (hg19) VCF-style: chr17-42452434-C-G.
Other names: short protein forms E925Q.
Identifiers: ClinVar variation 3720704 (VCV003720704.2).
Genomic context (GRCh38, chr17:44,375,066, plus strand): 5'-GGCTGGGCAGCCACAGGAAGGCCAGCACCGTGACCATGGCCCGCTGCCCGCGCGCCATCT[C>G]CTGCAGGTCACACTGCACCACAGTACAGGGCGCCGAGTCGCAGCTCTGAGGGGAAGCATC-3'
Protein context (NP_000410.2, residues 915-935): PCTVVQCDLQ[Glu925Gln]MARGQRAMVT